The following is an entry in ClinVar:

ClinVar aggregate classification (germline): Uncertain significance (1 of 4 stars; one submission).

Conditions:
Dyskeratosis congenita, autosomal dominant 1 (DKCA1). Also called: Dyskeratosis congenita Scoggins type. Identifiers: Orphanet 1775, MedGen C4551974, MONDO:0007485, OMIM 127550. Inheritance: Variable.

Submission:

Labcorp Genetics (formerly Invitae), Labcorp
Classification: Uncertain significance for Dyskeratosis congenita, autosomal dominant 1. Last evaluated: 2024-11-21. Review status: criteria provided, single submitter. Criteria: Invitae Variant Classification Sherloc (09022015). Collection method: clinical testing. Allele origin: germline.
Comment: This variant occurs in the TERC gene, which encodes an RNA molecule that does not result in a protein product. This variant is not present in population databases (gnomAD no frequency). This variant has not been reported in the literature in individuals affected with TERC-related conditions. This variant is located within the hypervariable region that is not conserved in the TERC RNA component (PMID: 10721988, 21844345). The functional significance of this region is not well understood. In summary, the available evidence is currently insufficient to determine the role of this variant in disease. Therefore, it has been classified as a Variant of Uncertain Significance.

Literature cited by the submitters: PubMed 10721988; PubMed 21844345.

NR_001566.3(TERC):n.203C>A

Genes: TERC (telomerase RNA component; minus strand), LOC110806306 (telomerase RNA component (TERC) promoter; plus strand). Cytogenetic location: 3q26.2.
Variant type: single nucleotide variant.
Molecular consequence: non-coding transcript variant (on NR_001566.3).
Genome position: GRCh38 VCF-style: chr3-169764858-G-T. GRCh37 (hg19) VCF-style: chr3-169482646-G-T.
Identifiers: ClinVar variation 3643631 (VCV003643631.2).